The following is an entry in ClinVar:

ClinVar aggregate classification (germline): Conflicting classifications of pathogenicity. Review status: criteria provided, conflicting classifications (1 of 4 stars). 3 submissions from 3 submitters: Uncertain significance (2); Likely benign (1). Last evaluated 2025-11-10.

Conditions:
Hereditary cancer-predisposing syndrome. Also called: Hereditary neoplastic syndrome; Tumor predisposition; Neoplastic Syndromes, Hereditary; Hereditary Cancer Syndrome. Identifiers: Orphanet 140162, MedGen C0027672, MeSH D009386, MONDO:0015356.

Allele frequency attached by ClinVar (database versions not stated): TOPMed below 0.00001; gnomAD exomes 0.00001 and 0.00002; ExAC 0.00002.
gnomAD v4.1: 10 of 1,613,986 alleles (0.00062%); highest among the groups gnomAD compares: Non-Finnish European, 0.000085%; no homozygotes.

Submissions (3):

Labcorp Genetics (formerly Invitae), Labcorp
Classification: Uncertain significance. Last evaluated: 2025-11-10. Review status: criteria provided, single submitter. Criteria: Invitae Variant Classification Sherloc (09022015). Collection method: clinical testing. Allele origin: germline.
Comment: This sequence change replaces valine, which is neutral and non-polar, with isoleucine, which is neutral and non-polar, at codon 1863 of the POLE protein (p.Val1863Ile). This variant is present in population databases (rs780000018, gnomAD 0.009%). This variant has not been reported in the literature in individuals affected with POLE-related conditions. ClinVar contains an entry for this variant (Variation ID: 1185946). Invitae Evidence Modeling of protein sequence and biophysical properties (such as structural, functional, and spatial information, amino acid conservation, physicochemical variation, residue mobility, and thermodynamic stability) indicates that this missense variant is not expected to disrupt POLE protein function with a negative predictive value of 80%. In summary, the available evidence is currently insufficient to determine the role of this variant in disease. Therefore, it has been classified as a Variant of Uncertain Significance.

Ambry Genetics
Classification: Likely benign for Hereditary cancer-predisposing syndrome. Last evaluated: 2025-06-23. Review status: criteria provided, single submitter. Criteria: Ambry Variant Classification Scheme 2023. Collection method: clinical testing. Allele origin: germline.

GeneDx
Classification: Uncertain significance. Last evaluated: 2019-04-22. Review status: criteria provided, single submitter. Criteria: GeneDx Variant Classification Process June 2021. Collection method: clinical testing. Allele origin: germline. Affected: yes.
Comment: Not observed at a significant frequency in large population cohorts (Lek et al., 2016); Has not been previously published as pathogenic or benign to our knowledge

NM_006231.4(POLE):c.5587G>A (p.Val1863Ile)

Gene: POLE (DNA polymerase epsilon, catalytic subunit; minus strand). Cytogenetic location: 12q24.33.
Variant type: single nucleotide variant.
Coding change: c.5587G>A on transcript NM_006231.4 (MANE Select); coding-DNA position 5587, G replaced by A.
Protein change: p.Val1863Ile; replaces valine 1863 with isoleucine.
Molecular consequence: missense variant.
Genome position (GRCh38, 1-based): chr12:132,638,105, C>T on the plus strand (G>A on the coding strand, the complement: POLE is on the minus strand). VCF-style: chr12-132638105-C-T. GRCh37 (hg19) VCF-style: chr12-133214691-C-T.
Other names: short protein forms V1863I.
Identifiers: ClinVar variation 1185946 (VCV001185946.6), dbSNP rs780000018, ClinGen allele CA6892465.